The following is an entry in ClinVar:

ClinVar aggregate classification (germline): Uncertain significance (1 of 4 stars; one submission).

Conditions:
Alagille syndrome due to a JAG1 point mutation. Also called: HEPATIC DUCTULAR HYPOPLASIA, SYNDROMATIC; JAG1-Related Alagille Syndrome; Alagille Syndrome 1. Identifiers: Orphanet 261619, Orphanet 52, MedGen C1956125, MONDO:0016862, OMIM 118450.

Submissions (2):

Labcorp Genetics (formerly Invitae), Labcorp
Classification: Uncertain significance for Alagille syndrome due to a JAG1 point mutation. Last evaluated: 2019-12-25. Review status: criteria provided, single submitter. Criteria: Invitae Variant Classification Sherloc (09022015). Collection method: clinical testing. Allele origin: germline.
Comment: This variant has been reported to affect JAG1 protein function (PMID: 16875832). In summary, the available evidence is currently insufficient to determine the role of this variant in disease. Therefore, it has been classified as a Variant of Uncertain Significance. This variant has not been reported in the literature in individuals with JAG1-related conditions. This variant is not present in population databases (ExAC no frequency). This sequence change replaces tryptophan with arginine at codon 167 of the JAG1 protein (p.Trp167Arg). The tryptophan residue is highly conserved and there is a moderate physicochemical difference between tryptophan and arginine.

Gilbert/Spinner Lab, Children's Hospital of Philadelphia
No classification provided (evidence only). Condition: Alagille syndrome. Review status: no classification provided. Collection method: research. Allele origin: not applicable. Functional consequence: functionally_abnormal. Not counted in ClinVar's aggregate classification.
ClinVar note: "not provided" was previously submitted as the classification for the variant. However, the classification appeared to be based only on an observation of functional data so it was converted to no classification on 2025-07-30.

Literature cited by the submitters: PubMed 16875832 (cited by Labcorp Genetics (formerly Invitae), Labcorp).

NM_000214.3(JAG1):c.499T>C (p.Trp167Arg)

Gene: JAG1 (jagged canonical Notch ligand 1; minus strand). Cytogenetic location: 20p12.2.
Variant type: single nucleotide variant.
Coding change: c.499T>C on transcript NM_000214.3 (MANE Select); coding-DNA position 499, T replaced by C.
Protein change: p.Trp167Arg; replaces tryptophan 167 with arginine.
Molecular consequence: missense variant.
Genome position (GRCh38, 1-based): chr20:10,658,663, A>G on the plus strand (T>C on the coding strand, the complement: JAG1 is on the minus strand). VCF-style: chr20-10658663-A-G. GRCh37 (hg19) VCF-style: chr20-10639311-A-G.
Other names: short protein forms W167R.
Identifiers: ClinVar variation 851670 (VCV000851670.12), dbSNP rs2067394353, ClinGen allele CA408240492.